The following is an entry in ClinVar:

NM_014484.5(MOCS3):c.830T>A (p.Leu277His)

Gene: MOCS3 (molybdenum cofactor synthesis 3; plus strand). Cytogenetic location: 20q13.13.
Variant type: single nucleotide variant.
Coding change: c.830T>A on transcript NM_014484.5 (MANE Select); coding-DNA position 830, T replaced by A.
Protein change: p.Leu277His; replaces leucine 277 with histidine.
Molecular consequence: missense variant.
Genome position (GRCh38, 1-based): chr20:50,959,672, T>A. VCF-style: chr20-50959672-T-A. GRCh37 (hg19) VCF-style: chr20-49576209-T-A.
Other names: short protein forms L277H.
Identifiers: ClinVar variation 1351139 (VCV001351139.8), dbSNP rs766162271, ClinGen allele CA9909483.

ClinVar aggregate classification (germline): Uncertain significance (1 of 4 stars; one submission).

Allele frequency attached by ClinVar (database versions not stated): gnomAD 0.00001; TOPMed 0.00001; ExAC 0.00002; gnomAD exomes 0.00003.
gnomAD v4.1: 40 of 1,614,076 alleles (0.0025%); highest among the groups gnomAD compares: Non-Finnish European, 0.0033%; no homozygotes.

Submission:

Labcorp Genetics (formerly Invitae), Labcorp
Classification: Uncertain significance. Last evaluated: 2022-07-06. Review status: criteria provided, single submitter. Criteria: Invitae Variant Classification Sherloc (09022015). Collection method: clinical testing. Allele origin: germline.
Comment: This variant is present in population databases (rs766162271, gnomAD 0.006%). In summary, the available evidence is currently insufficient to determine the role of this variant in disease. Therefore, it has been classified as a Variant of Uncertain Significance. Algorithms developed to predict the effect of missense changes on protein structure and function (SIFT, PolyPhen-2, Align-GVGD) all suggest that this variant is likely to be disruptive. ClinVar contains an entry for this variant (Variation ID: 1351139). This variant has not been reported in the literature in individuals affected with MOCS3-related conditions. This sequence change replaces leucine, which is neutral and non-polar, with histidine, which is basic and polar, at codon 277 of the MOCS3 protein (p.Leu277His).